The following is an entry in ClinVar:

NM_018089.3(ANKZF1):c.1813C>T (p.Pro605Ser)

Gene: ANKZF1 (ankyrin repeat and zinc finger peptidyl tRNA hydrolase 1; plus strand). Cytogenetic location: 2q35.
Variant type: single nucleotide variant.
Coding change: c.1813C>T on transcript NM_018089.3 (MANE Select); coding-DNA position 1813, C replaced by T.
Protein change: p.Pro605Ser; replaces proline 605 with serine.
Molecular consequence: missense variant.
Genome position (GRCh38, 1-based): chr2:219,235,717, C>T. VCF-style: chr2-219235717-C-T. GRCh37 (hg19) VCF-style: chr2-220100439-C-T.
Other names: c.1813C>T, p.Pro605Ser (NM_001042410.2); c.1183C>T, p.Pro395Ser (NM_001282792.2); short protein forms P395S, P605S.
Identifiers: ClinVar variation 1505243 (VCV001505243.6), dbSNP rs773927573, ClinGen allele CA2121197.

ClinVar aggregate classification (germline): Uncertain significance (1 of 4 stars; one submission).

Allele frequency attached by ClinVar (database versions not stated): ExAC 0.00001; gnomAD exomes 0.00001.
gnomAD v4.1: 3 of 1,614,072 alleles (0.00019%); highest among the groups gnomAD compares: East Asian, 0.0045%; no homozygotes.

Submission:

Labcorp Genetics (formerly Invitae), Labcorp
Classification: Uncertain significance. Last evaluated: 2021-12-03. Review status: criteria provided, single submitter. Criteria: Invitae Variant Classification Sherloc (09022015). Collection method: clinical testing. Allele origin: germline.
Comment: In summary, the available evidence is currently insufficient to determine the role of this variant in disease. Therefore, it has been classified as a Variant of Uncertain Significance. Algorithms developed to predict the effect of missense changes on protein structure and function are either unavailable or do not agree on the potential impact of this missense change (SIFT: "Deleterious"; PolyPhen-2: "Probably Damaging"; Align-GVGD: "Class C0"). This variant has not been reported in the literature in individuals affected with ANKZF1-related conditions. This sequence change replaces proline, which is neutral and non-polar, with serine, which is neutral and polar, at codon 605 of the ANKZF1 protein (p.Pro605Ser). This variant is present in population databases (rs773927573, gnomAD 0.01%).